The following is an entry in ClinVar:

ClinVar aggregate classification (germline): Benign/Likely benign. Review status: criteria provided, multiple submitters, no conflicts (2 of 4 stars). 13 submissions from 13 submitters: Benign (8); Likely benign (1). 4 of the submissions do not count toward it. Last evaluated 2026-02-03.

Conditions:
Progressive myoclonic epilepsy. Also called: Familial progressive myoclonic epilepsy; Myoclonic Epilepsies, Progressive; Myoclonus epilepsy; Progressive myoclonus epilepsy. Identifiers: Orphanet 308, Orphanet 98261, MedGen C0751778, MONDO:0020074.
Inborn genetic diseases. Identifiers: MedGen C0950123, MeSH D030342.
Lafora disease. Also called: Epilepsy progressive myoclonic 2; Progressive Myoclonus Epilepsy, Lafora Type. Identifiers: Orphanet 501, MedGen C0751783, MONDO:0009697.

Allele frequency attached by ClinVar (database versions not stated): gnomAD 0.63686; TOPMed 0.65318; 1000 Genomes Project 0.65335; 1000 Genomes Project 30x 0.65818; ESP Exome Variant Server 0.69556.
gnomAD v4.1: 822,968 of 1,386,774 alleles (59%); highest among the groups gnomAD compares: Admixed American, 75%; 246,746 homozygotes.

Submissions (13):

Labcorp Genetics (formerly Invitae), Labcorp
Classification: Benign for Progressive myoclonic epilepsy. Last evaluated: 2026-02-03. Review status: criteria provided, single submitter. Criteria: Invitae Variant Classification Sherloc (09022015). Collection method: clinical testing. Allele origin: germline.

Blueprint Genetics
Classification: Likely benign. Last evaluated: 2024-11-27. Review status: criteria provided, single submitter. Criteria: ACMG Guidelines, 2015. Collection method: clinical testing. Allele origin: germline.

Unidad de Genómica Garrahan, Hospital de Pediatría Garrahan
Classification: Benign. Last evaluated: 2024-07-15. Review status: criteria provided, single submitter. Criteria: ACMG Guidelines, 2015. Collection method: clinical testing. Allele origin: germline. Affected: no. Observed: 87 variant alleles.
Comment: This variant is classified as Benign based on local population frequency. This variant was detected in 94% of patients studied in a panel designed for Epileptic and Developmental Encephalopathy and Progressive Myoclonus Epilepsy. Number of patients: 87. Only high quality variants are reported.

Genome-Nilou Lab
Classification: Benign for Myoclonic epilepsy of Lafora 1. Last evaluated: 2021-07-30. Review status: criteria provided, single submitter. Criteria: ACMG Guidelines, 2015. Collection method: clinical testing. Allele origin: germline. Affected: no.

Eurofins Ntd Llc (ga)
Classification: Benign. Last evaluated: 2017-12-14. Review status: criteria provided, single submitter. Criteria: EGL Classification Definitions 2015. Collection method: clinical testing. Allele origin: germline. Observed: 380 variant alleles, 190 heterozygotes, 190 homozygotes.

Athena Diagnostics
Classification: Benign. Last evaluated: 2017-04-29. Review status: criteria provided, single submitter. Criteria: Athena Diagnostics Criteria. Collection method: clinical testing. Allele origin: germline.

Ambry Genetics
Classification: Benign for Inborn genetic diseases. Last evaluated: 2016-01-08. Review status: criteria provided, single submitter. Criteria: Ambry Variant Classification Scheme 2023. Collection method: clinical testing. Allele origin: germline.

GeneDx
Classification: Benign. Last evaluated: 2015-03-03. Review status: criteria provided, single submitter. Criteria: GeneDx Variant Classification Process June 2021. Collection method: clinical testing. Allele origin: germline. Affected: yes.

PreventionGenetics, part of Exact Sciences
Classification: Benign. Review status: criteria provided, single submitter. Criteria: ACMG Guidelines, 2015. Collection method: clinical testing. Allele origin: germline.

Mayo Clinic Laboratories, Mayo Clinic
Classification: Benign. Last evaluated: 2015-10-19. Review status: no assertion criteria provided. Collection method: clinical testing. Allele origin: unknown. Not counted in ClinVar's aggregate classification.

Diagnostic Laboratory, Department of Genetics, University Medical Center Groningen
Classification: Benign for Myoclonic epilepsy of Lafora 1. Review status: no assertion criteria provided. Collection method: clinical testing. Allele origin: germline. Affected: yes. Study: VKGL Data-share Consensus. Not counted in ClinVar's aggregate classification.

Genetic Services Laboratory, University of Chicago
Classification: Likely benign for AllHighlyPenetrant. Review status: no assertion criteria provided. Collection method: clinical testing. Allele origin: germline. Inheritance: Autosomal recessive inheritance. Not counted in ClinVar's aggregate classification.
Comment: Likely benign based on allele frequency in 1000 Genomes Project or ESP global frequency and its presence in a patient with a rare or unrelated disease phenotype. NOT Sanger confirmed.

Genome Diagnostics Laboratory, University Medical Center Utrecht
Classification: Benign. Review status: no assertion criteria provided. Collection method: clinical testing. Allele origin: germline. Affected: yes. Study: VKGL Data-share Consensus. Not counted in ClinVar's aggregate classification.

NM_005670.4(EPM2A):c.159C>G (p.Ala53=)

Genes: EPM2A (EPM2A glucan phosphatase, laforin; minus strand), EPM2A-DT (EPM2A divergent transcript; plus strand), LOC129997381 (ATAC-STARR-seq lymphoblastoid silent region 17642; plus strand). Cytogenetic location: 6q24.3.
Variant type: single nucleotide variant.
Coding change: c.159C>G on transcript NM_005670.4 (MANE Select); coding-DNA position 159, C replaced by G.
Protein change: p.Ala53=; no amino-acid change (alanine 53 retained).
Molecular consequence: synonymous variant. On other transcripts: 5 prime UTR variant (3), intron variant (1).
Genome position (GRCh38, 1-based): chr6:145,735,340, G>C on the plus strand (C>G on the coding strand, the complement: EPM2A is on the minus strand). VCF-style: chr6-145735340-G-C. GRCh37 (hg19) VCF-style: chr6-146056476-G-C.
Other names: c.159C>G, p.Ala53= (NM_001018041.2, NM_001360057.2, NM_001368130.1); c.-511C>G (NM_001360071.2); c.-465C>G (NM_001368129.2); c.-209C>G (NM_001368131.1); c.-114+568C>G (NM_001360064.2).
Identifiers: ClinVar variation 95306 (VCV000095306.31), dbSNP rs2235482, ClinGen allele CA148410.